The following is an entry in ClinVar:

NM_017617.5(NOTCH1):c.3274C>G (p.Leu1092Val)

Gene: NOTCH1 (notch receptor 1; minus strand). Cytogenetic location: 9q34.3.
Variant type: single nucleotide variant.
Coding change: c.3274C>G on transcript NM_017617.5 (MANE Select); coding-DNA position 3274, C replaced by G.
Protein change: p.Leu1092Val; replaces leucine 1092 with valine.
Molecular consequence: missense variant.
Genome position (GRCh38, 1-based): chr9:136,508,283, G>C on the plus strand (C>G on the coding strand, the complement: NOTCH1 is on the minus strand). VCF-style: chr9-136508283-G-C. GRCh37 (hg19) VCF-style: chr9-139402735-G-C.
Other names: short protein forms L1092V.
Identifiers: ClinVar variation 4740921 (VCV004740921.1).
Genomic context (GRCh38, chr9:136,508,283, plus strand): 5'-GCAGGTTACCTTGTCGCTGCGCAGCCACCTCACAGGACACGCTGGGCACGTCGCAGTAAA[G>C]GCCGGTCCAGCCGCTGGGGCACTCGCAGCGGTACTGGGTGTGGGTCTGCCAGCATTTGCC-3'
Protein context (NP_060087.3, residues 1082-1102): RCECPSGWTG[Leu1092Val]YCDVPSVSCE

ClinVar aggregate classification (germline): Uncertain significance (1 of 4 stars; one submission).

Conditions:
Adams-Oliver syndrome 5 (AOS5). Identifiers: Orphanet 974, MedGen C4014970, MONDO:0014459, OMIM 616028.

Submission:

Labcorp Genetics (formerly Invitae), Labcorp
Classification: Uncertain significance for Adams-Oliver syndrome 5. Last evaluated: 2025-08-31. Review status: criteria provided, single submitter. Criteria: Invitae Variant Classification Sherloc (09022015). Collection method: clinical testing. Allele origin: germline.
Comment: This sequence change replaces leucine, which is neutral and non-polar, with valine, which is neutral and non-polar, at codon 1092 of the NOTCH1 protein (p.Leu1092Val). This variant is not present in population databases (gnomAD no frequency). This variant has not been reported in the literature in individuals affected with NOTCH1-related conditions. Invitae Evidence Modeling of protein sequence and biophysical properties (such as structural, functional, and spatial information, amino acid conservation, physicochemical variation, residue mobility, and thermodynamic stability) indicates that this missense variant is not expected to disrupt NOTCH1 protein function with a negative predictive value of 80%. In summary, the available evidence is currently insufficient to determine the role of this variant in disease. Therefore, it has been classified as a Variant of Uncertain Significance.